The following is an entry in ClinVar:

NM_000416.3(IFNGR1):c.819_822del (p.Asn274fs)

Gene: IFNGR1 (interferon gamma receptor 1; minus strand). Cytogenetic location: 6q23.3.
Variant type: Deletion.
Coding change: c.819_822del on transcript NM_000416.3 (MANE Select); coding-DNA positions 819 to 822, 4 bases deleted (TAAT; older notation c.819_822delTAAT).
Protein change: p.Asn274fs; shifts the reading frame from asparagine 274.
Molecular consequence: frameshift variant.
Genome position (GRCh38, 1-based): chr6:137,200,920-137,200,923, ATTA deleted on the plus strand (TAAT on the coding strand, the reverse complement: IFNGR1 is on the minus strand); deleting any 4 consecutive bases within chr6:137,200,920-137,200,926 gives the same sequence; the c. name uses the placement nearest the transcript's 3' end. VCF-style (leftmost placement, unchanged base first): chr6-137200919-GATTA-G. GRCh37 (hg19) VCF-style: chr6-137522056-GATTA-G.
Other names: c.819_822delTAAT (NM_000416.2); c.789_792del, p.Asn264fs (NM_001363526.1); c.696_699del, p.Asn233fs (NM_001363527.1); short protein forms N233fs, N264fs, N274fs.
Identifiers: ClinVar variation 17947 (VCV000017947.17), dbSNP rs587776856, ClinGen allele CA127603.

ClinVar aggregate classification (germline): Pathogenic. Review status: criteria provided, multiple submitters, no conflicts (2 of 4 stars). 8 submissions from 8 submitters: Pathogenic (7). 1 of the submissions does not count toward it. Last evaluated 2025-02-09.

Conditions:
IFNGR1-related disorder. Also called: IFNGR1-related condition.
IFN-gamma receptor 1 deficiency. Also called: Interferon gamma receptor 1 deficiency. Identifiers: MedGen C4288927.
Disseminated atypical mycobacterial infection. Identifiers: MedGen C0694566.
Autosomal dominant mendelian susceptibility to mycobacterial diseases due to partial IFNgammaR1 deficiency. Also called: IMMUNODEFICIENCY 27B, MYCOBACTERIOSIS, AUTOSOMAL DOMINANT; IFNGR1 DEFICIENCY, AUTOSOMAL DOMINANT; Immunodeficiency 27b. Identifiers: Orphanet 319581, MedGen C4014863, MONDO:0014429, OMIM 615978.
Mycobacterium tuberculosis, susceptibility to. Identifiers: MedGen C1834752, OMIM 607948.
Helicobacter pylori infection, susceptibility to. Identifiers: MedGen C1838332, MONDO:0010853, OMIM 600263.
Hepatitis B virus, susceptibility to. Also called: HBV, SUSCEPTIBILITY TO. Identifiers: MedGen C1864880, MONDO:0012488, OMIM 610424.
Immunodeficiency 27A (IMD27A). Also called: IMMUNODEFICIENCY 27A, MYCOBACTERIOSIS, AUTOSOMAL RECESSIVE; IFNGR1 DEFICIENCY, AUTOSOMAL RECESSIVE. Identifiers: Orphanet 319569, Orphanet 99898, MedGen C4011949, MONDO:0008856, OMIM 209950.

Submissions (8):

Labcorp Genetics (formerly Invitae), Labcorp
Classification: Pathogenic for Disseminated atypical mycobacterial infection. Last evaluated: 2025-02-09. Review status: criteria provided, single submitter. Criteria: Invitae Variant Classification Sherloc (09022015). Collection method: clinical testing. Allele origin: germline.
Comment: This sequence change creates a premature translational stop signal (p.Asn274Hisfs*2) in the IFNGR1 gene. While this is not anticipated to result in nonsense mediated decay, it is expected to disrupt the last 216 amino acid(s) of the IFNGR1 protein. This variant is not present in population databases (gnomAD no frequency). This premature translational stop signal has been observed in individual(s) with autosomal dominant Mendelian susceptibility to mycobacterial infection (PMID: 10192386, 18171304). It has also been observed to segregate with disease in related individuals. This variant is also known as 818del4. ClinVar contains an entry for this variant (Variation ID: 17947). Algorithms developed to predict the effect of variants on gene product structure and function are not available or were not evaluated for this variant. Experimental studies have shown that this premature translational stop signal affects IFNGR1 function (PMID: 20015550). For these reasons, this variant has been classified as Pathogenic.

3billion
Classification: Pathogenic for Autosomal dominant mendelian susceptibility to mycobacterial diseases due to partial IFNgammaR1 deficiency. Last evaluated: 2024-12-31. Review status: criteria provided, single submitter. Criteria: ACMG Guidelines, 2015. Collection method: clinical testing. Allele origin: germline. Affected: yes.
Comment: The variant is not observed in the gnomAD v4.1.0 dataset. Predicted Consequence/Location: Frameshift: predicted to result in a loss or disruption of normal protein function through protein truncation. The predicted truncated protein may be shortened by more than 10%. The variant has been observed in multiple (>3) similarly affected unrelated individuals (PMID: 10192386). The variant has been reported at least twice as pathogenic with clinical assertions and evidence for the classification (ClinVar ID: VCV000017947 /PMID: 10192386 /3billion dataset). Therefore, this variant is classified as Pathogenic according to the recommendation of ACMG/AMP guideline.

Fulgent Genetics
Classification: Pathogenic for Immunodeficiency 27A; Helicobacter pylori infection, susceptibility to; Mycobacterium tuberculosis, susceptibility to; Hepatitis B virus, susceptibility to; Autosomal dominant mendelian susceptibility to mycobacterial diseases due to partial IFNgammaR1 deficiency. Last evaluated: 2022-04-07. Review status: criteria provided, single submitter. Criteria: ACMG Guidelines, 2015. Collection method: clinical testing. Allele origin: unknown.

Blueprint Genetics
Classification: Pathogenic for IFNGR1-related disorders. Last evaluated: 2021-08-04. Review status: criteria provided, single submitter. Criteria: ACMG Guidelines, 2015. Collection method: clinical testing. Allele origin: germline. Affected: yes. Observed: 1 variant allele.

Women's Health and Genetics/Laboratory Corporation of America, LabCorp
Classification: Pathogenic for IFN-gamma receptor 1 deficiency. Last evaluated: 2017-05-19. Review status: criteria provided, single submitter. Criteria: LabCorp Variant Classification Summary - May 2015. Collection method: clinical testing. Allele origin: germline.
Comment: Variant summary: The IFNGR1 c.819_822delTAAT (p.Asn274Hisfs) variant results in a premature termination codon, predicted to cause a truncated or absent IFNGR1 protein due to nonsense mediated decay, which are commonly known mechanisms for disease. This variant is absent in 94886 control chromosomes. The variant was reported in multiple affected individuals and families in the literature in the heterozyous state, suggesting an autosomal dominant inheritance pattern. Additionally, in one study the variant resulted in an overall defect in STAT translocation (a downstream function of signaling through the IFNGR) in a patient's cells (Jouanguy_1999), supporting the pathogenic role of the variant. In addition, multiple clinical diagnostic laboratories/reputable databases classified this variant as pathogenic. Taken together, this variant is classified as pathogenic.

GeneDx
Classification: Pathogenic. Last evaluated: 2016-09-23. Review status: criteria provided, single submitter. Criteria: GeneDx Variant Classification (06012015). Collection method: clinical testing. Allele origin: germline. Affected: yes.
Comment: The c.819_822delTAAT pathogenic variant in the IFNGR1 gene has been reported previously in the heterozygous state in multiple individuals with osteolytic lesions and recurrent mycobacterial infections, sometimes following BCG vaccination (Jouanguy et al., 1999; Edgar et al., 2001; Glosli et al., 2008; Takeda et al., 2014). The c.819_822delTAAT variant causes a frameshift starting with codon Asparagine 274, changes this amino acid to a Histidine residue, ultimately replacing 216 amino acids with one incorrect amino acid and creates a premature Stop codon at position 2 of the new reading frame, which is denoted p.Asn274HisfsX2. This variant produces a truncated protein, lacking the recycling receptor and intracellular domains, which expression studies have shown is increased in patient cells, accumulating on the cell surface thereby impairing cellular IFNv response through a dominant negative effect (Jouanguy et al., 1999; van de Wetering et al., 2010). The c.819_822delTAAT variant was not observed in approximately 6500 individuals of European and African American ancestry in the NHLBI Exome Sequencing Project, indicating it is not a common benign variant in these populations. Therefore, we interpret c.819_822delTAAT as a pathogenic variant.

Neuberg Centre For Genomic Medicine, NCGM
Classification: Pathogenic for Autosomal dominant mendelian susceptibility to mycobacterial diseases due to partial IFNgammaR1 deficiency. Review status: criteria provided, single submitter. Criteria: ACMG Guidelines, 2015. Collection method: clinical testing. Allele origin: germline. Inheritance: Autosomal dominant inheritance. Affected: yes.
Comment: The frameshift deletion p.N274Hfs*2 in IFNGR1 (NM_000416.3) has been reported previously reported in the heterozygous state in multiple individuals with recurrent mycobacterial infections, sometimes following BCG vaccination (Glosli et al, 2008). The p.N274Hfs*2 variant is novel (not in any individuals) in gnomAD Exomes and is novel (not in any individuals) in 1000 Genomes. This variant is predicted to cause loss of normal protein function through protein truncation caused a frameshift mutation. The frame shifted sequence continues 2 residues until a stop codon is reached. For these reasons, this variant has been classified as Pathogenic

OMIM
Classification: Pathogenic for IMMUNODEFICIENCY 27B. Last evaluated: 1999-04-01. Review status: no assertion criteria provided. Collection method: literature only. Allele origin: germline. Not counted in ClinVar's aggregate classification.

Literature cited by the submitters: PubMed 10192386 (cited by 4 submitters); PubMed 18171304 (cited by Labcorp Genetics (formerly Invitae), Labcorp and Women's Health and Genetics/Laboratory Corporation of America, LabCorp); PubMed 20015550 (cited by Labcorp Genetics (formerly Invitae), Labcorp and Women's Health and Genetics/Laboratory Corporation of America, LabCorp); PubMed 11583830 (cited by Women's Health and Genetics/Laboratory Corporation of America, LabCorp); Heyne, K. Generalisatio BCG familiaris semibenigna, Osteomyelitis salmonellosa und Pseudotuberculosis intestinalis--folgen eines familiaeren Makrophagendefektes? Europ. J. Pediat. 121: 179-189, 1976. (cited by OMIM); PubMed 28902581 (cited by OMIM).